The following is an entry in ClinVar:

ClinVar aggregate classification (germline): Uncertain significance (1 of 4 stars; one submission).

gnomAD v4.1: 6 of 1,613,972 alleles (0.00037%); highest among the groups gnomAD compares: African/African-American, 0.0013%; no homozygotes.

Submission:

Labcorp Genetics (formerly Invitae), Labcorp
Classification: Uncertain significance. Last evaluated: 2025-03-10. Review status: criteria provided, single submitter. Criteria: Invitae Variant Classification Sherloc (09022015). Collection method: clinical testing. Allele origin: germline.
Comment: This sequence change replaces arginine, which is basic and polar, with cysteine, which is neutral and slightly polar, at codon 1465 of the KMT2A protein (p.Arg1465Cys). This variant is not present in population databases (gnomAD no frequency). This variant has not been reported in the literature in individuals affected with KMT2A-related conditions. Invitae Evidence Modeling of protein sequence and biophysical properties (such as structural, functional, and spatial information, amino acid conservation, physicochemical variation, residue mobility, and thermodynamic stability) indicates that this missense variant is expected to disrupt KMT2A protein function with a positive predictive value of 95%. In summary, the available evidence is currently insufficient to determine the role of this variant in disease. Therefore, it has been classified as a Variant of Uncertain Significance.

NM_001197104.2(KMT2A):c.4393C>T (p.Arg1465Cys)

Gene: KMT2A (lysine methyltransferase 2A; plus strand). Cytogenetic location: 11q23.3.
Variant type: single nucleotide variant.
Coding change: c.4393C>T on transcript NM_001197104.2 (MANE Select); coding-DNA position 4393, C replaced by T.
Protein change: p.Arg1465Cys; replaces arginine 1465 with cysteine.
Molecular consequence: missense variant.
Genome position (GRCh38, 1-based): chr11:118,488,674, C>T. VCF-style: chr11-118488674-C-T. GRCh37 (hg19) VCF-style: chr11-118359389-C-T.
Other names: c.4492C>T, p.Arg1498Cys (NM_001412597.1); c.4393C>T, p.Arg1465Cys (NM_005933.4); short protein forms R1465C, R1498C.
Identifiers: ClinVar variation 3688519 (VCV003688519.2).